The following is an entry in ClinVar:

ClinVar aggregate classification (germline): Uncertain significance (1 of 4 stars; one submission).

Conditions:
Joubert syndrome 6 (JBTS6). Identifiers: Orphanet 475, MedGen C1853153, MONDO:0012539, OMIM 610688.

Submission:

Broad Center for Mendelian Genomics, Broad Institute of MIT and Harvard
Classification: Uncertain significance for Joubert syndrome 6. Last evaluated: 2017-06-26. Review status: criteria provided, single submitter. Criteria: ACMG Guidelines, 2015. Collection method: research. Allele origin: germline. Inheritance: Autosomal recessive inheritance. Affected: yes. Observed: 1 variant allele. Study: Broad Institute Center for Mendelian Genomics (CMG).
Comment: Both missense variants absent from gnomAD.

NM_153704.6(TMEM67):c.1421T>C (p.Leu474Pro)

Gene: TMEM67 (transmembrane protein 67; plus strand). Cytogenetic location: 8q22.1.
Variant type: single nucleotide variant.
Coding change: c.1421T>C on transcript NM_153704.6 (MANE Select); coding-DNA position 1421, T replaced by C.
Protein change: p.Leu474Pro; replaces leucine 474 with proline.
Molecular consequence: missense variant. On other transcripts: non-coding transcript variant (1).
Genome position (GRCh38, 1-based): chr8:93,787,852, T>C. VCF-style: chr8-93787852-T-C. GRCh37 (hg19) VCF-style: chr8-94800080-T-C.
Other names: c.1178T>C, p.Leu393Pro (NM_001142301.1); short protein forms L393P, L474P.
Identifiers: ClinVar variation 495339 (VCV000495339.1), dbSNP rs1554554236, ClinGen allele CA371689978.